The following is an entry in ClinVar:

NM_017672.6(TRPM7):c.3100A>G (p.Lys1034Glu)

Gene: TRPM7 (transient receptor potential cation channel subfamily M member 7; minus strand). Cytogenetic location: 15q21.2.
Variant type: single nucleotide variant.
Coding change: c.3100A>G on transcript NM_017672.6 (MANE Select); coding-DNA position 3100, A replaced by G.
Protein change: p.Lys1034Glu; replaces lysine 1034 with glutamic acid.
Molecular consequence: missense variant. On other transcripts: non-coding transcript variant (3).
Genome position (GRCh38, 1-based): chr15:50,599,185, T>C on the plus strand (A>G on the coding strand, the complement: TRPM7 is on the minus strand). VCF-style: chr15-50599185-T-C. GRCh37 (hg19) VCF-style: chr15-50891382-T-C.
Other names: c.3100A>G, p.Lys1034Glu (NM_001301212.2); short protein forms K1034E.
Identifiers: ClinVar variation 4529967 (VCV004529967.1).

ClinVar aggregate classification (germline): Uncertain significance (1 of 4 stars; one submission).

gnomAD v4.1: 1 of 1,613,444 alleles (0.000062%); highest among the groups gnomAD compares: Non-Finnish European, 0.000085%; no homozygotes.

Submission:

GeneDx
Classification: Uncertain significance. Last evaluated: 2025-05-14. Review status: criteria provided, single submitter. Criteria: GeneDx Variant Classification Process June 2021. Collection method: clinical testing. Allele origin: germline. Affected: yes.
Comment: Not observed at significant frequency in large population cohorts (gnomAD); In silico analysis supports that this missense variant has a deleterious effect on protein structure/function; Has not been previously published as pathogenic or benign to our knowledge